The following is an entry in ClinVar:

ClinVar aggregate classification (germline): Pathogenic (1 of 4 stars; one submission).

Conditions:
Mucopolysaccharidosis, MPS-II (MPS2). Also called: Hunter Syndrome; IDURONATE 2-SULFATASE DEFICIENCY; Mucopolysaccharidosis Type II; Mucopolysaccharidosis type 2; Attenuated MPS (subtype; formerly known as mild MPS II); Severe MPS II. Identifiers: Orphanet 580, Orphanet 79388, MedGen C0026705, MONDO:0010674, OMIM 309900.

Submission:

Laboratory of Diagnosis and Therapy of Lysosomal Disorders, University of Padova
Classification: Pathogenic for Mucopolysaccharidosis, MPS-II. Last evaluated: 2024-06-07. Review status: criteria provided, single submitter. Criteria: ACMG Guidelines, 2015. Collection method: literature only. Allele origin: germline. Affected: yes. Observed: 2 variant alleles.
Comment: Null variant (PVS1_VeryStrong), Absent from controls (or at low frequency) in gnomAD database (PM2_Moderate), Patient’s phenotype or family history highly specific for the disease (PP4_Strong)

Classification method: ACMG Guidelines [PMID:25741868] with modifications

Literature cited by the submitters: PubMed 9501270; PubMed 27246110.

NM_000202.8(IDS):c.640del (p.Thr214fs)

Genes: IDS (iduronate 2-sulfatase; minus strand), LOC106050102 (IDS recombination region; plus strand). Cytogenetic location: Xq28.
Variant type: Deletion.
Coding change: c.640del on transcript NM_000202.8 (MANE Select); coding-DNA position 640, one base deleted (A; older notation c.640delA).
Protein change: p.Thr214fs; shifts the reading frame from threonine 214.
Molecular consequence: frameshift variant. On other transcripts: non-coding transcript variant (1).
Genome position (GRCh38, 1-based): chrX:149,498,175, T deleted on the plus strand (A on the coding strand, the reverse complement: IDS is on the minus strand); the first of 4 consecutive T bases (chrX:149,498,175-149,498,178); deleting any one gives the same sequence. VCF-style (leftmost placement, unchanged base first): chrX-149498174-GT-G. GRCh37 (hg19) VCF-style: chrX-148579705-GT-G.
Other names: c.370del, p.Thr124fs (NM_001166550.4); c.640del, p.Thr214fs (NM_006123.5); short protein forms T124fs, T214fs.
Identifiers: ClinVar variation 3255785 (VCV003255785.2).
Genomic context (GRCh38, chrX:149,498,174, plus strand): 5'-TATCTGAAGGGGATGTGTGGCTTATGATACCCAACGGCCAGGAAGAAAGGACTGGCTGAC[GT>G]TTTCATCTTTTCCAACAACTGTATGGCTTGCTCAGTGCTCTGTTTGTCAGGCAAGGTGCC-3'